The following is an entry in ClinVar:

ClinVar aggregate classification (germline): Likely benign. Review status: criteria provided, multiple submitters, no conflicts (2 of 4 stars). 5 submissions from 5 submitters: Likely benign (3). 2 of the submissions do not count toward it. Last evaluated 2025-12-24.

Conditions:
Left ventricular noncompaction 8 (LVNC8). Identifiers: Orphanet 154, Orphanet 54260, MedGen C3809288, MONDO:0014152, OMIM 615373.

Allele frequency attached by ClinVar (database versions not stated): ExAC 0.00002; gnomAD 0.00002; TOPMed 0.00003; ESP Exome Variant Server 0.00008.
gnomAD v4.1: 127 of 1,612,872 alleles (0.0079%); highest among the groups gnomAD compares: Non-Finnish European, 0.01%; no homozygotes.

Submissions (5):

Labcorp Genetics (formerly Invitae), Labcorp
Classification: Likely benign for Left ventricular noncompaction 8. Last evaluated: 2025-12-24. Review status: criteria provided, single submitter. Criteria: Invitae Variant Classification Sherloc (09022015). Collection method: clinical testing. Allele origin: germline.

Blueprint Genetics
Classification: Likely benign. Last evaluated: 2022-02-02. Review status: criteria provided, single submitter. Criteria: ACMG Guidelines, 2015. Collection method: clinical testing. Allele origin: germline.

GeneDx
Classification: Likely benign. Last evaluated: 2017-05-05. Review status: criteria provided, single submitter. Criteria: GeneDx Variant Classification (06012015). Collection method: clinical testing. Allele origin: germline. Affected: yes.
Comment: This variant is considered likely benign or benign based on one or more of the following criteria: it is a conservative change, it occurs at a poorly conserved position in the protein, it is predicted to be benign by multiple in silico algorithms, and/or has population frequency not consistent with disease.

Clinical Genetics, Academic Medical Center
Classification: Benign. Review status: no assertion criteria provided. Collection method: clinical testing. Allele origin: germline. Affected: yes. Study: VKGL Data-share Consensus. Not counted in ClinVar's aggregate classification.

Diagnostic Laboratory, Department of Genetics, University Medical Center Groningen
Classification: Likely benign. Review status: no assertion criteria provided. Collection method: clinical testing. Allele origin: germline. Affected: yes. Study: VKGL Data-share Consensus. Not counted in ClinVar's aggregate classification.

NM_022114.4(PRDM16):c.801G>A (p.Glu267=)

Gene: PRDM16 (PR/SET domain 16; plus strand). Cytogenetic location: 1p36.32.
Variant type: single nucleotide variant.
Coding change: c.801G>A on transcript NM_022114.4 (MANE Select); coding-DNA position 801, G replaced by A.
Protein change: p.Glu267=; no amino-acid change (glutamic acid 267 retained).
Molecular consequence: synonymous variant.
Genome position (GRCh38, 1-based): chr1:3,402,915, G>A. VCF-style: chr1-3402915-G-A. GRCh37 (hg19) VCF-style: chr1-3319479-G-A.
Other names: c.801G>A, p.Glu267= (NM_199454.3).
Identifiers: ClinVar variation 509360 (VCV000509360.15), dbSNP rs369972213, ClinGen allele CA543962.